The following is an entry in ClinVar:

ClinVar aggregate classification (germline): Conflicting classifications of pathogenicity. Review status: criteria provided, conflicting classifications (1 of 4 stars). 5 submissions from 5 submitters: Uncertain significance (4); Likely benign (1). Last evaluated 2025-03-20.

Conditions:
TTN-related disorder. Also called: TTN-related condition; TTN-related disease; TTN-related disorders.
Cardiovascular phenotype. Identifiers: MedGen CN230736.
Myopathy, myofibrillar, 9, with early respiratory failure (MFM9). Also called: Hereditary myopathy with early respiratory failure; EDSTROM MYOPATHY; MYOPATHY, PROXIMAL, WITH EARLY RESPIRATORY MUSCLE INVOLVEMENT; Myopathy, distal, with early respiratory failure, autosomal dominant. Identifiers: Orphanet 178464, Orphanet 34521, MedGen C1863599, MONDO:0011362, OMIM 603689.
Autosomal recessive limb-girdle muscular dystrophy type 2J (LGMDR10). Also called: Limb-girdle muscular dystrophy, type 2J; MUSCULAR DYSTROPHY, LIMB-GIRDLE, AUTOSOMAL RECESSIVE 10. Identifiers: Orphanet 140922, MedGen C1837342, MONDO:0012127, OMIM 608807.
Dilated cardiomyopathy 1G (CMD1G). Identifiers: Orphanet 154, MedGen C1858763, MONDO:0011400, OMIM 604145.
Early-onset myopathy with fatal cardiomyopathy (CMYO5). Also called: Salih Myopathy; CONGENITAL MYOPATHY 5 WITH CARDIOMYOPATHY. Identifiers: Orphanet 289377, MedGen C2673677, MONDO:0012714, OMIM 611705. Disease mechanism: loss of function.
Tibial muscular dystrophy (TMD). Also called: Udd Distal Myopathy – Tibial Muscular Dystrophy; UDD MYOPATHY; Tibial muscular dystrophy, tardive. Identifiers: Orphanet 609, MedGen C1838244, MONDO:0010870, OMIM 600334.
Hypertrophic cardiomyopathy 9. Also called: Familial hypertrophic cardiomyopathy 9. Identifiers: MedGen C1861065, MONDO:0013412, OMIM 613765.

Allele frequency attached by ClinVar (database versions not stated): gnomAD exomes below 0.00001 and 0.00001; ExAC 0.00002; gnomAD 0.00003 and 0.00004; TOPMed 0.00004; ESP Exome Variant Server 0.00017.
gnomAD v4.1: 9 of 1,611,958 alleles (0.00056%); highest among the groups gnomAD compares: African/African-American, 0.0093%; no homozygotes.

Submissions (5):

PreventionGenetics, part of Exact Sciences
Classification: Uncertain significance for TTN-related condition. Last evaluated: 2025-03-20. Review status: criteria provided, single submitter. Criteria: ACMG Guidelines, 2015. Collection method: clinical testing. Allele origin: germline.
Comment: The TTN c.89906T>C variant is predicted to result in the amino acid substitution p.Val29969Ala. To our knowledge, this variant has not been reported in the literature. This variant is reported in 0.017% of alleles in individuals of African descent in gnomAD. At this time, the clinical significance of this variant is uncertain due to the absence of conclusive functional and genetic evidence.

Fulgent Genetics
Classification: Uncertain significance for Tibial muscular dystrophy; Myopathy, myofibrillar, 9, with early respiratory failure; Dilated cardiomyopathy 1G; Autosomal recessive limb-girdle muscular dystrophy type 2J; Early-onset myopathy with fatal cardiomyopathy; Hypertrophic cardiomyopathy 9. Last evaluated: 2024-05-15. Review status: criteria provided, single submitter. Criteria: ACMG Guidelines, 2015. Collection method: clinical testing. Allele origin: germline.

Ambry Genetics
Classification: Uncertain significance for Cardiovascular phenotype. Last evaluated: 2019-09-10. Review status: criteria provided, single submitter. Criteria: Ambry Variant Classification Scheme 2023. Collection method: clinical testing. Allele origin: germline.
Comment: The p.V20904A variant (also known as c.62711T>C), located in coding exon 162 of the TTN gene, results from a T to C substitution at nucleotide position 62711. The valine at codon 20904 is replaced by alanine, an amino acid with similar properties. This amino acid position is not well conserved in available vertebrate species. In addition, this alteration is predicted to be tolerated by in silico analysis. Since supporting evidence is limited at this time, the clinical significance of this alteration remains unclear.

GeneDx
Classification: Likely benign. Last evaluated: 2018-02-01. Review status: criteria provided, single submitter. Criteria: GeneDx Variant Classification (06012015). Collection method: clinical testing. Allele origin: germline. Affected: yes.
Comment: This variant is considered likely benign or benign based on one or more of the following criteria: it is a conservative change, it occurs at a poorly conserved position in the protein, it is predicted to be benign by multiple in silico algorithms, and/or has population frequency not consistent with disease.

Eurofins Ntd Llc (ga)
Classification: Uncertain significance. Last evaluated: 2017-08-17. Review status: criteria provided, single submitter. Criteria: EGL Classification Definitions 2015. Collection method: clinical testing. Allele origin: germline. Observed: 1 variant allele, 1 heterozygote.

NM_001267550.2(TTN):c.89906T>C (p.Val29969Ala)

Genes: TTN (titin; minus strand), TTN-AS1 (TTN antisense RNA 1; plus strand). Cytogenetic location: 2q31.2.
Variant type: single nucleotide variant.
Coding change: c.89906T>C on transcript NM_001267550.2 (MANE Select); coding-DNA position 89906, T replaced by C.
Protein change: p.Val29969Ala; replaces valine 29969 with alanine.
Molecular consequence: missense variant.
Genome position (GRCh38, 1-based): chr2:178,552,994, A>G on the plus strand (T>C on the coding strand, the complement: TTN is on the minus strand). VCF-style: chr2-178552994-A-G. GRCh37 (hg19) VCF-style: chr2-179417721-A-G.
Other names: c.84983T>C, p.Val28328Ala (NM_001256850.1); c.62711T>C, p.Val20904Ala (NM_003319.4); c.82202T>C, p.Val27401Ala (NM_133378.4); c.63086T>C, p.Val21029Ala (NM_133432.3); c.63287T>C, p.Val21096Ala (NM_133437.4); short protein forms V28328A, V29969A, V27401A, V21029A, V21096A, V20904A.
Identifiers: ClinVar variation 506610 (VCV000506610.9), dbSNP rs201220828, ClinGen allele CA1987856.